The following is an entry in ClinVar:

ClinVar aggregate classification (germline): Likely pathogenic (1 of 4 stars; one submission).

Conditions:
Fanconi anemia complementation group A (FANCA). Also called: Fanconi anemia, group A; FANCA-Related Fanconi Anemia. Identifiers: Orphanet 84, MedGen C3469521, MONDO:0009215, OMIM 227650.

Submission:

3billion
Classification: Likely pathogenic for Fanconi anemia complementation group A. Last evaluated: 2025-07-28. Review status: criteria provided, single submitter. Criteria: ACMG Guidelines, 2015. Collection method: clinical testing. Allele origin: germline. Affected: yes.
Comment: The variant is not observed in the gnomAD v4.1.0 dataset. Predicted Consequence/Location: Canonical splice site: predicted to alter splicing and result in a loss or disruption of normal protein function. Multiple pathogenic loss-of-function variants are reported downstream of the variant. In silico tools predict the variant to alter splicing and produce an abnormal transcript [SpliceAI: 0.99 (spliceogenicity >=0.2, non-spliceogenicity <0.1)]. Therefore, this variant is classified as Likely pathogenic according to the recommendation of ACMG/AMP guideline.

NM_000135.4(FANCA):c.189+2_189+8del

Gene: FANCA (FA complementation group A; minus strand). Cytogenetic location: 16q24.3.
Variant type: Deletion.
Coding change: c.189+2_189+8del on transcript NM_000135.4 (MANE Select); the canonical splice donor site of the intron after coding-DNA position 189 through 8 bases into the intron after coding-DNA position 189, 7 bases deleted (TAAGAGG; older notation c.189+2_189+8delTAAGAGG).
Molecular consequence: splice donor variant.
Genome position (GRCh38, 1-based): chr16:89,815,869-89,815,875, CCTCTTA deleted on the plus strand (TAAGAGG on the coding strand, the reverse complement: FANCA is on the minus strand); deleting any 7 consecutive bases within chr16:89,815,869-89,815,879 gives the same sequence; the c. name uses the placement nearest the transcript's 3' end. VCF-style (leftmost placement, unchanged base first): chr16-89815868-TCCTCTTA-T. GRCh37 (hg19) VCF-style: chr16-89882276-TCCTCTTA-T.
Other names: c.189+2_189+8del (NM_001286167.3, NM_001351830.2, NM_001018112.3).
Identifiers: ClinVar variation 4855145 (VCV004855145.1).